The following is an entry in ClinVar:

ClinVar aggregate classification (germline): Uncertain significance. Review status: criteria provided, multiple submitters, no conflicts (2 of 4 stars). 2 submissions from 2 submitters: Uncertain significance (2). Last evaluated 2022-06-10.

Conditions:
Hereditary hemorrhagic telangiectasia (HHT). Also called: ORW DISEASE; Osler Weber Rendu syndrome; OSLER-RENDU-WEBER DISEASE; Osler hemorrhagic telangiectasia syndrome. Identifiers: Orphanet 774, MedGen C0039445, MONDO:0019180. Disease mechanism: loss of function.
Cardiovascular phenotype. Identifiers: MedGen CN230736.

Submissions (2):

Labcorp Genetics (formerly Invitae), Labcorp
Classification: Uncertain significance for Hereditary hemorrhagic telangiectasia. Last evaluated: 2022-06-10. Review status: criteria provided, single submitter. Criteria: Invitae Variant Classification Sherloc (09022015). Collection method: clinical testing. Allele origin: germline.
Comment: This variant has not been reported in the literature in individuals affected with ENG-related conditions. In summary, the available evidence is currently insufficient to determine the role of this variant in disease. Therefore, it has been classified as a Variant of Uncertain Significance. Advanced modeling of protein sequence and biophysical properties (such as structural, functional, and spatial information, amino acid conservation, physicochemical variation, residue mobility, and thermodynamic stability) performed at Invitae indicates that this missense variant is expected to disrupt ENG protein function. This variant is not present in population databases (gnomAD no frequency). This sequence change replaces leucine, which is neutral and non-polar, with histidine, which is basic and polar, at codon 251 of the ENG protein (p.Leu251His).

Ambry Genetics
Classification: Uncertain significance for Cardiovascular phenotype. Last evaluated: 2020-10-20. Review status: criteria provided, single submitter. Criteria: Ambry Variant Classification Scheme 2023. Collection method: clinical testing. Allele origin: germline.
Comment: The p.L251H variant (also known as c.752T>A), located in coding exon 6 of the ENG gene, results from a T to A substitution at nucleotide position 752. The leucine at codon 251 is replaced by histidine, an amino acid with similar properties. This amino acid position is highly conserved in available vertebrate species. In addition, this alteration is predicted to be deleterious by in silico analysis. Since supporting evidence is limited at this time, the clinical significance of this alteration remains unclear.

NM_001114753.3(ENG):c.752T>A (p.Leu251His)

Gene: ENG (endoglin; minus strand). Cytogenetic location: 9q34.11.
Variant type: single nucleotide variant.
Coding change: c.752T>A on transcript NM_001114753.3 (MANE Select); coding-DNA position 752, T replaced by A.
Protein change: p.Leu251His; replaces leucine 251 with histidine.
Molecular consequence: missense variant.
Genome position (GRCh38, 1-based): chr9:127,825,295, A>T on the plus strand (T>A on the coding strand, the complement: ENG is on the minus strand). VCF-style: chr9-127825295-A-T. GRCh37 (hg19) VCF-style: chr9-130587574-A-T.
Other names: c.752T>A, p.Leu251His (NM_000118.4, NM_001406715.1); c.206T>A, p.Leu69His (NM_001278138.2); short protein forms L251H, L69H.
Identifiers: ClinVar variation 1759377 (VCV001759377.7), dbSNP rs1554810243, ClinGen allele CA374983348.